The following is an entry in ClinVar:

NM_002296.4(LBR):c.1469T>G (p.Ile490Ser)

Gene: LBR (lamin B receptor; minus strand). Cytogenetic location: 1q42.12.
Variant type: single nucleotide variant.
Coding change: c.1469T>G on transcript NM_002296.4 (MANE Select); coding-DNA position 1469, T replaced by G.
Protein change: p.Ile490Ser; replaces isoleucine 490 with serine.
Molecular consequence: missense variant.
Genome position (GRCh38, 1-based): chr1:225,406,678, A>C on the plus strand (T>G on the coding strand, the complement: LBR is on the minus strand). VCF-style: chr1-225406678-A-C. GRCh37 (hg19) VCF-style: chr1-225594380-A-C.
Other names: c.1469T>G (NM_002296.3); c.1469T>G, p.Ile490Ser (NM_194442.3); short protein forms I490S.
Identifiers: ClinVar variation 1942495 (VCV001942495.6), dbSNP rs934709705, ClinGen allele CA38506672.
Genomic context (GRCh38, chr1:225,406,678, plus strand): 5'-TACATAATATTTAATAAATTAAACTGAGACTAAAATTAATACTCACGTTTCAGAACAATA[A>C]TTAGAGAAGCCATTGGCCAAGACACTTCATTTGGATGACTGACTAAATAAAAGGCTTGGA-3'
Protein context (NP_002287.2, residues 480-500): NEVSWPMASL[Ile490Ser]IVLKLCGYVI

ClinVar aggregate classification (germline): Uncertain significance. Review status: criteria provided, multiple submitters, no conflicts (2 of 4 stars). 2 submissions from 2 submitters: Uncertain significance (2). Last evaluated 2026-02-28.

Conditions:
Inborn genetic diseases. Identifiers: MedGen C0950123, MeSH D030342.

Allele frequency attached by ClinVar (database versions not stated): gnomAD exomes below 0.00001; gnomAD 0.00001; TOPMed 0.00001.
gnomAD v4.1: 2 of 1,611,676 alleles (0.00012%); highest among the groups gnomAD compares: African/African-American, 0.0013%; no homozygotes.

Submissions (2):

Ambry Genetics
Classification: Uncertain significance for Inborn genetic diseases. Last evaluated: 2026-02-28. Review status: criteria provided, single submitter. Criteria: Ambry Variant Classification Scheme 2023. Collection method: clinical testing. Allele origin: germline.
Comment: The c.1469T>G (p.I490S) alteration is located in exon 11 (coding exon 10) of the LBR gene. This alteration results from a T to G substitution at nucleotide position 1469, causing the isoleucine (I) at amino acid position 490 to be replaced by a serine (S). Based on data from gnomAD, the G allele has an overall frequency of <0.001% (1/249170) total alleles studied. The highest observed frequency was 0.006% (1/16184) of African alleles. Based on insufficient or conflicting evidence, the clinical significance of this alteration remains unclear.

Labcorp Genetics (formerly Invitae), Labcorp
Classification: Uncertain significance. Last evaluated: 2023-02-09. Review status: criteria provided, single submitter. Criteria: Invitae Variant Classification Sherloc (09022015). Collection method: clinical testing. Allele origin: germline.
Comment: Advanced modeling of protein sequence and biophysical properties (such as structural, functional, and spatial information, amino acid conservation, physicochemical variation, residue mobility, and thermodynamic stability) performed at Invitae indicates that this missense variant is not expected to disrupt LBR protein function. This variant has not been reported in the literature in individuals affected with LBR-related conditions. This variant is present in population databases (no rsID available, gnomAD 0.007%). This sequence change replaces isoleucine, which is neutral and non-polar, with serine, which is neutral and polar, at codon 490 of the LBR protein (p.Ile490Ser). In summary, the available evidence is currently insufficient to determine the role of this variant in disease. Therefore, it has been classified as a Variant of Uncertain Significance.